The following is an entry in ClinVar:

NM_001112741.2(KCNC1):c.178C>T (p.His60Tyr)

Gene: KCNC1 (potassium voltage-gated channel subfamily C member 1; plus strand). Cytogenetic location: 11p15.1.
Variant type: single nucleotide variant.
Coding change: c.178C>T on transcript NM_001112741.2 (MANE Select); coding-DNA position 178, C replaced by T.
Protein change: p.His60Tyr; replaces histidine 60 with tyrosine.
Molecular consequence: missense variant.
Genome position (GRCh38, 1-based): chr11:17,736,180, C>T. VCF-style: chr11-17736180-C-T. GRCh37 (hg19) VCF-style: chr11-17757727-C-T.
Other names: c.178C>T, p.His60Tyr (NM_004976.4); short protein forms H60Y.
Identifiers: ClinVar variation 3766222 (VCV003766222.1).

ClinVar aggregate classification (germline): Uncertain significance (1 of 4 stars; one submission).

Submission:

GeneDx
Classification: Uncertain significance. Last evaluated: 2024-08-22. Review status: criteria provided, single submitter. Criteria: GeneDx Variant Classification Process June 2021. Collection method: clinical testing. Allele origin: germline. Affected: yes.
Comment: Not observed at significant frequency in large population cohorts (gnomAD); In silico analysis supports that this missense variant has a deleterious effect on protein structure/function; Has not been previously published as pathogenic or benign to our knowledge